The following is an entry in ClinVar:

ClinVar aggregate classification (germline): Uncertain significance. Review status: criteria provided, multiple submitters, no conflicts (2 of 4 stars). 2 submissions from 2 submitters: Uncertain significance (2). Last evaluated 2025-09-05.

Conditions:
Malignant hyperthermia, susceptibility to, 1 (MHS1). Also called: RYR1-Related Malignant Hyperthermia Susceptibility; Malignant hyperthermia suceptibility 1; Anesthesia related hyperthermia; Malignant hyperpyrexia; Fulminating hyperpyrexia; Pharmacogenic myopathy. Identifiers: Orphanet 423, MedGen C2930980, MONDO:0007783, OMIM 145600.

gnomAD v4.1: 1 of 1,614,092 alleles (0.000062%); highest among the groups gnomAD compares: African/African-American, 0.0013%; no homozygotes.

Submissions (2):

Color Diagnostics, LLC DBA Color Health
Classification: Uncertain significance for Malignant hyperthermia, susceptibility to, 1. Last evaluated: 2025-09-05. Review status: criteria provided, single submitter. Criteria: ACMG Guidelines, 2015. Collection method: clinical testing. Allele origin: germline.
Comment: This missense variant replaces serine with isoleucine at codon 1985 of the RYR1 protein. Computational prediction suggests that this variant may not impact protein structure and function. To our knowledge, functional studies have not been reported for this variant. This variant has not been reported in individuals affected with RYR1-related disorders in the literature. This variant has not been identified in the general population by the Genome Aggregation Database (gnomAD). The available evidence is insufficient to determine the role of this variant in disease conclusively. Therefore, this variant is classified as a Variant of Uncertain Significance.

GeneDx
Classification: Uncertain significance. Last evaluated: 2025-03-18. Review status: criteria provided, single submitter. Criteria: GeneDx Variant Classification Process June 2021. Collection method: clinical testing. Allele origin: germline. Affected: yes.
Comment: Not observed at significant frequency in large population cohorts (gnomAD); In silico analysis supports that this missense variant has a deleterious effect on protein structure/function; Has not been previously published as pathogenic or benign to our knowledge

NM_000540.3(RYR1):c.5954G>T (p.Ser1985Ile)

Gene: RYR1 (ryanodine receptor 1; plus strand). Cytogenetic location: 19q13.2.
Variant type: single nucleotide variant.
Coding change: c.5954G>T on transcript NM_000540.3 (MANE Select); coding-DNA position 5954, G replaced by T.
Protein change: p.Ser1985Ile; replaces serine 1985 with isoleucine.
Molecular consequence: missense variant.
Genome position (GRCh38, 1-based): chr19:38,490,215, G>T. VCF-style: chr19-38490215-G-T. GRCh37 (hg19) VCF-style: chr19-38980855-G-T.
Other names: c.5954G>T, p.Ser1985Ile (NM_001042723.2); short protein forms S1985I.
Identifiers: ClinVar variation 4086721 (VCV004086721.2).
Genomic context (GRCh38, chr19:38,490,215, plus strand): 5'-ATGTGGACAAGCTCCAGGCCAACCAGCGGAGCCGCTATGGCCTCCTCATAAAAGCCTTCA[G>T]CATGACCGCAGCAGAGACTGCAAGACGTACCCGCGAGTTCCGCTCCCCACCCCAGGAACA-3'
Protein context (NP_000531.2, residues 1975-1995): SRYGLLIKAF[Ser1985Ile]MTAAETARRT